The following is an entry in ClinVar:

NM_018100.4(EFHC1):c.1618G>A (p.Ala540Thr)

Gene: EFHC1 (EF-hand domain containing 1; plus strand). Cytogenetic location: 6p12.2.
Variant type: single nucleotide variant.
Coding change: c.1618G>A on transcript NM_018100.4 (MANE Select); coding-DNA position 1618, G replaced by A.
Protein change: p.Ala540Thr; replaces alanine 540 with threonine.
Molecular consequence: missense variant. On other transcripts: non-coding transcript variant (1).
Genome position (GRCh38, 1-based): chr6:52,479,765, G>A. VCF-style: chr6-52479765-G-A. GRCh37 (hg19) VCF-style: chr6-52344563-G-A.
Other names: c.1561G>A, p.Ala521Thr (NM_001172420.2); short protein forms A521T, A540T.
Identifiers: ClinVar variation 1009758 (VCV001009758.10), dbSNP rs1765633745, ClinGen allele CA364458227.

ClinVar aggregate classification (germline): Uncertain significance (1 of 4 stars; one submission).

Conditions:
Absence seizure. Also called: Absence epilepsy. Identifiers: Orphanet 1941, MedGen C0014553.
Myoclonic epilepsy, juvenile, susceptibility to, 1. Also called: Myoclonic Epilepsy, Juvenile, 1; EJM1. Identifiers: MedGen C1850778, MONDO:0020752, OMIM 254770.

Allele frequency attached by ClinVar (database versions not stated): TOPMed 0.00001.

Submission:

Labcorp Genetics (formerly Invitae), Labcorp
Classification: Uncertain significance for Myoclonic epilepsy, juvenile, susceptibility to, 1; Absence seizure. Last evaluated: 2020-04-29. Review status: criteria provided, single submitter. Criteria: Invitae Variant Classification Sherloc (09022015). Collection method: clinical testing. Allele origin: germline.
Comment: This sequence change replaces alanine with threonine at codon 540 of the EFHC1 protein (p.Ala540Thr). The alanine residue is weakly conserved and there is a small physicochemical difference between alanine and threonine. This variant is not present in population databases (ExAC no frequency). This variant has not been reported in the literature in individuals with EFHC1-related conditions. Algorithms developed to predict the effect of missense changes on protein structure and function (SIFT, PolyPhen-2, Align-GVGD) all suggest that this variant is likely to be tolerated, but these predictions have not been confirmed by published functional studies and their clinical significance is uncertain. In summary, the available evidence is currently insufficient to determine the role of this variant in disease. Therefore, it has been classified as a Variant of Uncertain Significance.